The following is an entry in ClinVar:

Conditions:
Arteriohepatic dysplasia. Also called: Alagille Syndrome. Identifiers: Orphanet 52, MedGen C0085280, MeSH D016738, MONDO:0007318.

Submission:

Gilbert/Spinner Lab, Children's Hospital of Philadelphia
No classification provided (evidence only). Condition: Alagille syndrome. Review status: no classification provided. Collection method: research. Allele origin: not applicable. Functional consequence: functionally_abnormal.
ClinVar note: "not provided" was previously submitted as the classification for the variant. However, the classification appeared to be based only on an observation of functional data so it was converted to no classification on 2025-07-30.

NM_000214.3(JAG1):c.545A>C (p.Gln182Pro)

Gene: JAG1 (jagged canonical Notch ligand 1; minus strand). Cytogenetic location: 20p12.2.
Variant type: single nucleotide variant.
Coding change: c.545A>C on transcript NM_000214.3 (MANE Select); coding-DNA position 545, A replaced by C.
Protein change: p.Gln182Pro; replaces glutamine 182 with proline.
Molecular consequence: missense variant.
Genome position (GRCh38, 1-based): chr20:10,658,617, T>G on the plus strand (A>C on the coding strand, the complement: JAG1 is on the minus strand). VCF-style: chr20-10658617-T-G. GRCh37 (hg19) VCF-style: chr20-10639265-T-G.
Other names: short protein forms Q182P.
Identifiers: ClinVar variation 3573056 (VCV003573056.2).